The following is an entry in ClinVar:

NM_000059.4(BRCA2):c.4666A>G (p.Ile1556Val)

Gene: BRCA2 (BRCA2 DNA repair associated; plus strand). Cytogenetic location: 13q13.1.
Variant type: single nucleotide variant.
Coding change: c.4666A>G on transcript NM_000059.4 (MANE Select); coding-DNA position 4666, A replaced by G.
Protein change: p.Ile1556Val; replaces isoleucine 1556 with valine.
Molecular consequence: missense variant.
Genome position (GRCh38, 1-based): chr13:32,339,021, A>G. VCF-style: chr13-32339021-A-G. GRCh37 (hg19) VCF-style: chr13-32913158-A-G.
Other names: c.4666A>G, p.Ile1556Val (NM_001406719.1, NM_001406720.1); short protein forms I1556V.
Identifiers: ClinVar variation 2059383 (VCV002059383.6), dbSNP rs2137508843, ClinGen allele CA387782767.

ClinVar aggregate classification (germline): Conflicting classifications of pathogenicity. Review status: criteria provided, conflicting classifications (1 of 4 stars). 2 submissions from 2 submitters: Uncertain significance (1); Likely benign (1). Last evaluated 2023-03-23.

Conditions:
Hereditary cancer-predisposing syndrome. Also called: Tumor predisposition; Hereditary Cancer Syndrome; Neoplastic Syndromes, Hereditary; Hereditary neoplastic syndrome. Identifiers: Orphanet 140162, MedGen C0027672, MeSH D009386, MONDO:0015356.
Hereditary breast ovarian cancer syndrome. Also called: Breast and ovarian cancer; BRCA1- and BRCA2-Associated Hereditary Breast and Ovarian Cancer; Hereditary breast and ovarian cancer syndrome; Hereditary breast and ovarian cancer; Hereditary breast and ovarian cancer syndrome (HBOC); Hereditary breast and/or ovarian cancer syndrome. Identifiers: Orphanet 145, MedGen C0677776, MeSH D061325, MONDO:0003582. Disease mechanism: loss of function.

Allele frequency attached by ClinVar (database versions not stated): gnomAD exomes below 0.00001.
gnomAD v4.1: 1 of 1,613,998 alleles (0.000062%); highest among the groups gnomAD compares: Non-Finnish European, 0.000085%; no homozygotes.

Submissions (2):

University of Washington Department of Laboratory Medicine, University of Washington
Classification: Likely benign for Hereditary cancer-predisposing syndrome. Last evaluated: 2023-03-23. Review status: criteria provided, single submitter. Criteria: Dines et al. (Genet Med. 2020). Collection method: curation. Allele origin: germline.
Comment: Missense variant in a coldspot region where missense variants are very unlikely to be pathogenic (PMID:31911673).

BRCA2 exon 11 coldspot. Reclassification based on statistical prior probability.

Labcorp Genetics (formerly Invitae), Labcorp
Classification: Uncertain significance for Hereditary breast ovarian cancer syndrome. Last evaluated: 2021-12-25. Review status: criteria provided, single submitter. Criteria: Invitae Variant Classification Sherloc (09022015). Collection method: clinical testing. Allele origin: germline.
Comment: This variant has not been reported in the literature in individuals affected with BRCA2-related conditions. This variant is not present in population databases (gnomAD no frequency). This sequence change replaces isoleucine, which is neutral and non-polar, with valine, which is neutral and non-polar, at codon 1556 of the BRCA2 protein (p.Ile1556Val). In summary, the available evidence is currently insufficient to determine the role of this variant in disease. Therefore, it has been classified as a Variant of Uncertain Significance. Advanced modeling of protein sequence and biophysical properties (such as structural, functional, and spatial information, amino acid conservation, physicochemical variation, residue mobility, and thermodynamic stability) performed at Invitae indicates that this missense variant is not expected to disrupt BRCA2 protein function.